The following is an entry in ClinVar:

ClinVar aggregate classification (germline): Likely pathogenic (1 of 4 stars; one submission).

Conditions:
Van der Woude syndrome. Identifiers: Orphanet 888, MedGen C0175697, MONDO:0019508.
Orofacial cleft 6, susceptibility to (OFC6). Also called: CLEFT LIP WITH OR WITHOUT CLEFT PALATE, NONSYNDROMIC, 6. Identifiers: MedGen C1837213, MONDO:0012141, OMIM 608864.
Popliteal pterygium syndrome (PPS). Identifiers: Orphanet 294963, MedGen C0265259, MONDO:0017435.

Submission:

Labcorp Genetics (formerly Invitae), Labcorp
Classification: Likely pathogenic for Orofacial cleft 6, susceptibility to; Van der Woude syndrome; Popliteal pterygium syndrome. Last evaluated: 2018-12-11. Review status: criteria provided, single submitter. Criteria: Invitae Variant Classification Sherloc (09022015). Collection method: clinical testing. Allele origin: germline.
Comment: This sequence change replaces aspartic acid with histidine at codon 98 of the IRF6 protein (p.Asp98His). The aspartic acid residue is highly conserved and there is a moderate physicochemical difference between aspartic acid and histidine. This variant is not present in population databases (ExAC no frequency). This variant has been observed to segregate with clinical features of van der Woude syndrome in a family and in an individual affected with disease (PMID: 12219090, Invitae). Experimental studies have shown that this missense change results in a protein that does not properly bind DNA (PMID: 19036739). The observation of one or more missense substitutions at this codon (p.Asp98Gly, p.Asp98Val, p.Asp98Glu, p.Asp98His) in affected individuals suggests that this may be a clinically significant residue (PMID: 19282774, 23154523, 12920575, 12219090). In summary, the currently available evidence indicates that the variant is pathogenic, but additional data are needed to prove that conclusively. Therefore, this variant has been classified as Likely Pathogenic.

Literature cited by the submitters: PubMed 12219090; PubMed 19036739; PubMed 19282774; PubMed 23154523; PubMed 12920575.

NM_006147.4(IRF6):c.292G>C (p.Asp98His)

Gene: IRF6 (interferon regulatory factor 6; minus strand). Cytogenetic location: 1q32.2.
Variant type: single nucleotide variant.
Coding change: c.292G>C on transcript NM_006147.4 (MANE Select); coding-DNA position 292, G replaced by C.
Protein change: p.Asp98His; replaces aspartic acid 98 with histidine.
Molecular consequence: missense variant.
Genome position (GRCh38, 1-based): chr1:209,796,435, C>G on the plus strand (G>C on the coding strand, the complement: IRF6 is on the minus strand). VCF-style: chr1-209796435-C-G. GRCh37 (hg19) VCF-style: chr1-209969780-C-G.
Other names: c.7G>C, p.Asp3His (NM_001206696.2); short protein forms D98H, D3H.
Identifiers: ClinVar variation 650115 (VCV000650115.10), dbSNP rs1571983348, ClinGen allele CA344583097.
Genomic context (GRCh38, chr1:209,796,435, plus strand): 5'-GAGGGATGTCACACACTTGATATATCTTCACTGGGTTCATGGGCACCTCCTTGGTGCCAT[C>G]ATACATCAGGTTGAATTCTCTGCTCTTATTGAGAGCACAGCGCAGCTGGGCCTTCCATTT-3'
Protein context (NP_006138.1, residues 88-108): NKSREFNLMY[Asp98His]GTKEVPMNPV